The following is an entry in ClinVar:

NM_001142800.2(EYS):c.7823A>G (p.Gln2608Arg)

Gene: EYS (EGF-like photoreceptor maintenance factor; minus strand). Cytogenetic location: 6q12.
Variant type: single nucleotide variant.
Coding change: c.7823A>G on transcript NM_001142800.2 (MANE Select); coding-DNA position 7823, A replaced by G.
Protein change: p.Gln2608Arg; replaces glutamine 2608 with arginine.
Molecular consequence: missense variant.
Genome position (GRCh38, 1-based): chr6:63,778,081, T>C on the plus strand (A>G on the coding strand, the complement: EYS is on the minus strand). VCF-style: chr6-63778081-T-C. GRCh37 (hg19) VCF-style: chr6-64487974-T-C.
Other names: c.7823A>G, p.Gln2608Arg (NM_001292009.2); c.7823A>G (NM_001142800.1); short protein forms Q2608R.
Identifiers: ClinVar variation 1374378 (VCV001374378.6), dbSNP rs746055058, ClinGen allele CA140242857.

ClinVar aggregate classification (germline): Uncertain significance. Review status: criteria provided, multiple submitters, no conflicts (2 of 4 stars). 4 submissions from 4 submitters: Uncertain significance (4). Last evaluated 2025-12-31.

Conditions:
EYS-related disorder. Also called: EYS-related condition.
Inborn genetic diseases. Identifiers: MedGen C0950123, MeSH D030342.

Allele frequency attached by ClinVar (database versions not stated): gnomAD exomes 0.00001 and 0.00003; gnomAD 0.00003; TOPMed 0.00003.
gnomAD v4.1: 41 of 1,551,636 alleles (0.0026%); highest among the groups gnomAD compares: Non-Finnish European, 0.0034%; no homozygotes.

Submissions (4):

PreventionGenetics, part of Exact Sciences
Classification: Uncertain significance for EYS-related condition. Last evaluated: 2025-12-31. Review status: criteria provided, single submitter. Criteria: ACMG Guidelines, 2015. Collection method: clinical testing. Allele origin: germline.
Comment: The EYS c.7823A>G variant is predicted to result in the amino acid substitution p.Gln2608Arg. To our knowledge, this variant has not been reported in the literature. This variant is reported in 0.0016% of alleles in individuals of European (Non-Finnish) descent in gnomAD. At this time, the clinical significance of this variant is uncertain due to the absence of conclusive functional and genetic evidence.

Ambry Genetics
Classification: Uncertain significance for Inborn genetic diseases. Last evaluated: 2023-05-24. Review status: criteria provided, single submitter. Criteria: Ambry Variant Classification Scheme 2023. Collection method: clinical testing. Allele origin: germline.

Blueprint Genetics
Classification: Uncertain significance. Last evaluated: 2023-01-26. Review status: criteria provided, single submitter. Criteria: ACMG Guidelines, 2015. Collection method: clinical testing. Allele origin: germline.

Labcorp Genetics (formerly Invitae), Labcorp
Classification: Uncertain significance. Last evaluated: 2022-07-03. Review status: criteria provided, single submitter. Criteria: Invitae Variant Classification Sherloc (09022015). Collection method: clinical testing. Allele origin: germline.
Comment: This sequence change replaces glutamine, which is neutral and polar, with arginine, which is basic and polar, at codon 2608 of the EYS protein (p.Gln2608Arg). This variant is not present in population databases (gnomAD no frequency). This variant has not been reported in the literature in individuals affected with EYS-related conditions. ClinVar contains an entry for this variant (Variation ID: 1374378). Algorithms developed to predict the effect of missense changes on protein structure and function (SIFT, PolyPhen-2, Align-GVGD) all suggest that this variant is likely to be disruptive. In summary, the available evidence is currently insufficient to determine the role of this variant in disease. Therefore, it has been classified as a Variant of Uncertain Significance.